The following is an entry in ClinVar:

ClinVar aggregate classification (germline): Likely benign (0 of 4 stars; one submission).

Conditions:
KSR2-related disorder. Also called: KSR2-related condition.

gnomAD v4.1: 6 of 1,613,622 alleles (0.00037%); highest among the groups gnomAD compares: Middle Eastern, 0.033%; 1 homozygote.

Submission:

PreventionGenetics, part of Exact Sciences
Classification: Likely benign for KSR2-related condition. Last evaluated: 2019-04-10. Review status: no assertion criteria provided. Collection method: clinical testing. Allele origin: germline.
Comment: This variant is classified as likely benign based on ACMG/AMP sequence variant interpretation guidelines (Richards et al. 2015 PMID: 25741868, with internal and published modifications).

NM_173598.6(KSR2):c.957G>T (p.Gly319=)

Gene: KSR2 (kinase suppressor of ras 2; minus strand). Cytogenetic location: 12q24.23.
Variant type: single nucleotide variant.
Coding change: c.957G>T on transcript NM_173598.6 (MANE Select); coding-DNA position 957, G replaced by T.
Protein change: p.Gly319=; no amino-acid change (glycine 319 retained).
Molecular consequence: synonymous variant.
Genome position (GRCh38, 1-based): chr12:117,761,040, C>A on the plus strand (G>T on the coding strand, the complement: KSR2 is on the minus strand). VCF-style: chr12-117761040-C-A. GRCh37 (hg19) VCF-style: chr12-118198845-C-A.
Identifiers: ClinVar variation 3352995 (VCV003352995.1).